The following is an entry in ClinVar:

ClinVar aggregate classification (germline): Likely benign. Review status: criteria provided, multiple submitters, no conflicts (2 of 4 stars). 3 submissions from 3 submitters: Likely benign (3). Last evaluated 2022-08-03.

Conditions:
Neurodevelopmental disorder with or without hyperkinetic movements and seizures, autosomal dominant. Also called: Intellectual disability, autosomal dominant 8. Identifiers: MedGen C3280282, MONDO:0013655, OMIM 614254.

Allele frequency attached by ClinVar (database versions not stated): TOPMed below 0.00001; gnomAD exomes 0.00001.
gnomAD v4.1: 38 of 1,614,190 alleles (0.0024%); highest among the groups gnomAD compares: Non-Finnish European, 0.0031%; no homozygotes.

Submissions (3):

Labcorp Genetics (formerly Invitae), Labcorp
Classification: Likely benign for Neurodevelopmental disorder with or without hyperkinetic movements and seizures, autosomal dominant. Last evaluated: 2022-08-03. Review status: criteria provided, single submitter. Criteria: Invitae Variant Classification Sherloc (09022015). Collection method: clinical testing. Allele origin: germline.

GeneDx
Classification: Likely benign. Last evaluated: 2018-03-21. Review status: criteria provided, single submitter. Criteria: GeneDx Variant Classification (06012015). Collection method: clinical testing. Allele origin: germline. Affected: yes.
Comment: This variant is considered likely benign or benign based on one or more of the following criteria: it is a conservative change, it occurs at a poorly conserved position in the protein, it is predicted to be benign by multiple in silico algorithms, and/or has population frequency not consistent with disease.

Genetic Services Laboratory, University of Chicago
Classification: Likely benign. Last evaluated: 2015-09-25. Review status: criteria provided, single submitter. Criteria: ACMG Guidelines, 2015. Collection method: clinical testing. Allele origin: germline. Affected: no.

NM_007327.4(GRIN1):c.357G>A (p.Leu119=)

Gene: GRIN1 (glutamate ionotropic receptor NMDA type subunit 1; plus strand). Cytogenetic location: 9q34.3.
Variant type: single nucleotide variant.
Coding change: c.357G>A on transcript NM_007327.4 (MANE Select); coding-DNA position 357, G replaced by A.
Protein change: p.Leu119=; no amino-acid change (leucine 119 retained).
Molecular consequence: synonymous variant.
Genome position (GRCh38, 1-based): chr9:137,142,111, G>A. VCF-style: chr9-137142111-G-A. GRCh37 (hg19) VCF-style: chr9-140036563-G-A.
Other names: c.357G>A, p.Leu119= (NM_000832.7, NM_001185090.2, NM_001185091.2 and 1 more transcripts).
Identifiers: ClinVar variation 211111 (VCV000211111.11), dbSNP rs201475721, ClinGen allele CA206955.
Genomic context (GRCh38, chr9:137,142,111, plus strand): 5'-CGACCACTTCACTCCCACCCCTGTCTCCTACACAGCCGGCTTCTACCGCATACCCGTGCT[G>A]GGGCTGACCACCCGCATGTCCATCTACTCGGACAAGGTAAGCCTGACTGCCAGACCAGGC-3'
Protein context (NP_015566.1, residues 109-129): YTAGFYRIPV[Leu119=]GLTTRMSIYS